The following is an entry in ClinVar:

ClinVar aggregate classification (germline): Uncertain significance (1 of 4 stars; one submission).

Submission:

Labcorp Genetics (formerly Invitae), Labcorp
Classification: Uncertain significance. Last evaluated: 2024-02-24. Review status: criteria provided, single submitter. Criteria: Invitae Variant Classification Sherloc (09022015). Collection method: clinical testing. Allele origin: germline.
Comment: This sequence change replaces tryptophan, which is neutral and slightly polar, with cysteine, which is neutral and slightly polar, at codon 4893 of the MACF1 protein (p.Trp4893Cys). This variant is not present in population databases (gnomAD no frequency). This variant has not been reported in the literature in individuals affected with MACF1-related conditions. ClinVar contains an entry for this variant (Variation ID: 2008828). An algorithm developed to predict the effect of missense changes on protein structure and function (PolyPhen-2) suggests that this variant is likely to be disruptive. In summary, the available evidence is currently insufficient to determine the role of this variant in disease. Therefore, it has been classified as a Variant of Uncertain Significance.

NM_001394062.1(MACF1):c.20856G>T (p.Trp6952Cys)

Gene: MACF1 (microtubule actin crosslinking factor 1; plus strand). Cytogenetic location: 1p34.3.
Variant type: single nucleotide variant.
Coding change: c.20856G>T on transcript NM_001394062.1 (MANE Select); coding-DNA position 20856, G replaced by T.
Protein change: p.Trp6952Cys; replaces tryptophan 6952 with cysteine.
Molecular consequence: missense variant.
Genome position (GRCh38, 1-based): chr1:39,453,820, G>T. VCF-style: chr1-39453820-G-T. GRCh37 (hg19) VCF-style: chr1-39919492-G-T.
Other names: c.8934G>T, p.Trp2978Cys (NM_001397473.1); c.14679G>T, p.Trp4893Cys (NM_012090.5); short protein forms W4893C, W2978C, W6952C.
Identifiers: ClinVar variation 2008828 (VCV002008828.4), dbSNP rs2523274280, ClinGen allele CA339764239.